The following is an entry in ClinVar:

ClinVar aggregate classification (germline): Pathogenic/Likely pathogenic. Review status: criteria provided, multiple submitters, no conflicts (2 of 4 stars). 3 submissions from 3 submitters: Pathogenic (1); Likely pathogenic (2). Last evaluated 2023-03-23.

Conditions:
Pili torti-deafness syndrome (BJS). Also called: PILI TORTI AND NERVE DEAFNESS; Bjornstad syndrome. Identifiers: Orphanet 123, MedGen C0266006, MONDO:0009872, OMIM 262000.
GRACILE syndrome (FLNMS). Also called: FELLMAN SYNDROME; FINNISH LETHAL NEONATAL METABOLIC SYNDROME. Identifiers: Orphanet 53693, MedGen C1864002, MONDO:0011308, OMIM 603358.

Allele frequency attached by ClinVar (database versions not stated): ExAC 0.00001; gnomAD exomes 0.00001; TOPMed 0.00001; ESP Exome Variant Server 0.00008.

Submissions (3):

Baylor Genetics
Classification: Likely pathogenic for Pili torti-deafness syndrome. Last evaluated: 2023-03-23. Review status: criteria provided, single submitter. Criteria: ACMG Guidelines, 2015. Collection method: clinical testing. Allele origin: unknown.

Women's Health and Genetics/Laboratory Corporation of America, LabCorp
Classification: Likely pathogenic for GRACILE syndrome. Last evaluated: 2023-02-08. Review status: criteria provided, single submitter. Criteria: LabCorp Variant Classification Summary - May 2015. Collection method: clinical testing. Allele origin: germline.
Comment: Variant summary: BCS1L c.478C>T (p.Gln160X) results in a premature termination codon, predicted to cause a truncation of the encoded protein or absence of the protein due to nonsense mediated decay, which are commonly known mechanisms for disease. The variant was absent in 250836 control chromosomes. To our knowledge, no occurrence of c.478C>T in individuals affected with GRACILE Syndrome and no experimental evidence demonstrating its impact on protein function have been reported. One clinical diagnostic laboratory has submitted clinical-significance assessments for this variant to ClinVar after 2014 and classified the variant as pathogenic. Based on the evidence outlined above, the variant was classified as likely pathogenic.

Labcorp Genetics (formerly Invitae), Labcorp
Classification: Pathogenic. Last evaluated: 2023-01-11. Review status: criteria provided, single submitter. Criteria: Invitae Variant Classification Sherloc (09022015). Collection method: clinical testing. Allele origin: germline.
Comment: This variant is present in population databases (rs373105002, gnomAD 0.0009%). This sequence change creates a premature translational stop signal (p.Gln160*) in the BCS1L gene. It is expected to result in an absent or disrupted protein product. Loss-of-function variants in BCS1L are known to be pathogenic (PMID: 12215968, 17314340, 19162478, 19508421, 22277166, 25895478). This variant has not been reported in the literature in individuals affected with BCS1L-related conditions. ClinVar contains an entry for this variant (Variation ID: 1452038). Algorithms developed to predict the effect of sequence changes on RNA splicing suggest that this variant may create or strengthen a splice site. For these reasons, this variant has been classified as Pathogenic.

Literature cited by the submitters: PubMed 12215968 (cited by Labcorp Genetics (formerly Invitae), Labcorp); PubMed 17314340 (cited by Labcorp Genetics (formerly Invitae), Labcorp); PubMed 19162478 (cited by Labcorp Genetics (formerly Invitae), Labcorp); PubMed 19508421 (cited by Labcorp Genetics (formerly Invitae), Labcorp); PubMed 22277166 (cited by Labcorp Genetics (formerly Invitae), Labcorp); PubMed 25895478 (cited by Labcorp Genetics (formerly Invitae), Labcorp).

NM_001079866.2(BCS1L):c.478C>T (p.Gln160Ter)

Gene: BCS1L (BCS1 ubiquinol-cytochrome c reductase complex chaperone; plus strand). Cytogenetic location: 2q35.
Variant type: single nucleotide variant.
Coding change: c.478C>T on transcript NM_001079866.2 (MANE Select); coding-DNA position 478, C replaced by T.
Protein change: p.Gln160Ter; replaces glutamine 160 with a stop codon.
Molecular consequence: nonsense. On other transcripts: 5 prime UTR variant (6), non-coding transcript variant (1).
Genome position (GRCh38, 1-based): chr2:218,661,776, C>T. VCF-style: chr2-218661776-C-T. GRCh37 (hg19) VCF-style: chr2-219526499-C-T.
Other names: c.478C>T (NM_004328.4); c.478C>T, p.Gln160Ter (NM_001257342.2, NM_001257343.2, NM_001257344.2 and 10 more transcripts); c.118C>T, p.Gln40Ter (NM_001318836.2, NM_001371451.1); c.-24C>T (NM_001371452.1, NM_001371453.1, NM_001371454.1 and 3 more transcripts); short protein forms Q40*, Q160*.
Identifiers: ClinVar variation 1452038 (VCV001452038.9), dbSNP rs373105002, ClinGen allele CA2109684.